The following is an entry in ClinVar:

ClinVar aggregate classification (germline): Uncertain significance (1 of 4 stars; one submission).

Conditions:
NUDT6-related disorder. Also called: NUDT6-related condition.

Submission:

PreventionGenetics, part of Exact Sciences
Classification: Uncertain significance for NUDT6-related condition. Last evaluated: 2026-04-24. Review status: criteria provided, single submitter. Criteria: ACMG Guidelines, 2015. Collection method: clinical testing. Allele origin: germline.
Comment: The NUDT6 c.191A>T variant is predicted to result in the amino acid substitution p.Asp64Val. To our knowledge, this variant has not been reported in the literature. This variant is reported in 0.0033% of alleles in individuals of South Asian descent in gnomAD. At this time, the clinical significance of this variant is uncertain due to the absence of conclusive functional and genetic evidence.

NM_007083.5(NUDT6):c.191A>T (p.Asp64Val)

Gene: NUDT6 (nudix hydrolase 6; minus strand). Cytogenetic location: 4q28.1.
Variant type: single nucleotide variant.
Coding change: c.191A>T on transcript NM_007083.5 (MANE Select); coding-DNA position 191, A replaced by T.
Protein change: p.Asp64Val; replaces aspartic acid 64 with valine.
Molecular consequence: missense variant. On other transcripts: intron variant (1).
Genome position (GRCh38, 1-based): chr4:122,922,382, T>A on the plus strand (A>T on the coding strand, the complement: NUDT6 is on the minus strand). VCF-style: chr4-122922382-T-A. GRCh37 (hg19) VCF-style: chr4-123843537-T-A.
Other names: c.-270+419A>T (NM_198041.3); short protein forms D64V.
Identifiers: ClinVar variation 4980841 (VCV004980841.1).